The following is an entry in ClinVar:

NM_000093.5(COL5A1):c.5067+4A>G

Genes: COL5A1 (collagen type V alpha 1 chain; plus strand), LOC101448202 (uncharacterized LOC101448202; minus strand). Cytogenetic location: 9q34.3.
Variant type: single nucleotide variant.
Coding change: c.5067+4A>G on transcript NM_000093.5 (MANE Select); 4 bases into the intron after coding-DNA position 5067, A replaced by G.
Molecular consequence: intron variant.
Genome position (GRCh38, 1-based): chr9:134,825,908, A>G. VCF-style: chr9-134825908-A-G. GRCh37 (hg19) VCF-style: chr9-137717754-A-G.
Other names: c.5067+4A>G (NM_001278074.1).
Identifiers: ClinVar variation 1460575 (VCV001460575.6), dbSNP rs2132887922, ClinGen allele CA2573144155.

ClinVar aggregate classification (germline): Uncertain significance (1 of 4 stars; one submission).

Conditions:
Ehlers-Danlos syndrome, classic type, 1 (EDSCL1). Also called: EHLERS-DANLOS SYNDROME, GRAVIS TYPE; EHLERS-DANLOS SYNDROME, SEVERE CLASSIC TYPE; Ehlers-Danlos syndrome, type 1; Ehlers-Danlos Syndrome, Classic Type, COL5A1-Related; EDS I. Identifiers: MedGen C0268335, MONDO:0019567, OMIM 130000.

Submission:

Labcorp Genetics (formerly Invitae), Labcorp
Classification: Uncertain significance for Ehlers-Danlos syndrome, classic type, 1. Last evaluated: 2022-06-27. Review status: criteria provided, single submitter. Criteria: Invitae Variant Classification Sherloc (09022015). Collection method: clinical testing. Allele origin: germline.
Comment: In summary, the available evidence is currently insufficient to determine the role of this variant in disease. Therefore, it has been classified as a Variant of Uncertain Significance. Variants that disrupt the consensus splice site are a relatively common cause of aberrant splicing (PMID: 17576681, 9536098). Algorithms developed to predict the effect of sequence changes on RNA splicing suggest that this variant may disrupt the consensus splice site. This variant has not been reported in the literature in individuals affected with COL5A1-related conditions. This variant is not present in population databases (gnomAD no frequency). This sequence change falls in intron 63 of the COL5A1 gene. It does not directly change the encoded amino acid sequence of the COL5A1 protein. It affects a nucleotide within the consensus splice site.

Literature cited by the submitters: PubMed 17576681; PubMed 9536098.